The following is an entry in ClinVar:

ClinVar aggregate classification (germline): Uncertain significance (1 of 4 stars; one submission).

Submission:

Women's Health and Genetics/Laboratory Corporation of America, LabCorp
Classification: Uncertain significance. Last evaluated: 2022-01-15. Review status: criteria provided, single submitter. Criteria: LabCorp Variant Classification Summary - May 2015. Collection method: clinical testing. Allele origin: germline.
Comment: Variant summary: HEXA c.-898A>T alters a non-conserved nucleotide located in the untranscribed region upstream of the HEXA gene region. The variant was absent in 31406 control chromosomes. The available data on variant occurrences in the general population are insufficient to allow any conclusion about variant significance. To our knowledge, no occurrence of c.-898A>T in individuals affected with Tay-Sachs Disease and no experimental evidence demonstrating its impact on protein function have been reported. No clinical diagnostic laboratories have submitted clinical-significance assessments for this variant to ClinVar after 2014. Based on the evidence outlined above, the variant was classified as uncertain significance.

NM_000520.5(HEXA):c.-898A>T

Genes: HEXA (hexosaminidase subunit alpha; minus strand), HEXA-AS1 (HEXA antisense RNA 1; plus strand). Cytogenetic location: 15q23.
Variant type: single nucleotide variant.
Coding change: c.-898A>T on transcript NM_000520.5; 898 bases upstream of the start codon, A replaced by T.
Molecular consequence: non-coding transcript variant (on NR_027262.1).
Genome position (GRCh38, 1-based): chr15:72,376,870, T>A on the plus strand (A>T on the coding strand, the complement: HEXA is on the minus strand). VCF-style: chr15-72376870-T-A. GRCh37 (hg19) VCF-style: chr15-72669211-T-A.
Identifiers: ClinVar variation 1339701 (VCV001339701.3), dbSNP rs2140346088, ClinGen allele CA491135305.